The following is an entry in ClinVar:

ClinVar aggregate classification (germline): Uncertain significance (1 of 4 stars; one submission).

Allele frequency attached by ClinVar (database versions not stated): gnomAD 0.00001; TOPMed below 0.00001.
gnomAD v4.1: 20 of 1,614,002 alleles (0.0012%); highest among the groups gnomAD compares: East Asian, 0.0022%; no homozygotes.

Submission:

Labcorp Genetics (formerly Invitae), Labcorp
Classification: Uncertain significance. Last evaluated: 2025-10-20. Review status: criteria provided, single submitter. Criteria: Invitae Variant Classification Sherloc (09022015). Collection method: clinical testing. Allele origin: germline.
Comment: This sequence change affects codon 246 of the COL9A2 mRNA. It is a 'silent' change, meaning that it does not change the encoded amino acid sequence of the COL9A2 protein. This variant also falls at the last nucleotide of exon 14, which is part of the consensus splice site for this exon. This variant is not present in population databases (gnomAD no frequency). This variant has not been reported in the literature in individuals affected with COL9A2-related conditions. ClinVar contains an entry for this variant (Variation ID: 2117166). Variants that disrupt the consensus splice site are a relatively common cause of aberrant splicing (PMID: 17576681, 9536098). Algorithms developed to predict the effect of sequence changes on RNA splicing suggest that this variant is not likely to affect RNA splicing. In summary, the available evidence is currently insufficient to determine the role of this variant in disease. Therefore, it has been classified as a Variant of Uncertain Significance.

Literature cited by the submitters: PubMed 17576681; PubMed 9536098.

NM_001852.4(COL9A2):c.738G>A (p.Thr246=)

Gene: COL9A2 (collagen type IX alpha 2 chain; minus strand). Cytogenetic location: 1p34.2.
Variant type: single nucleotide variant.
Coding change: c.738G>A on transcript NM_001852.4 (MANE Select); coding-DNA position 738, G replaced by A.
Protein change: p.Thr246=; no amino-acid change (threonine 246 retained).
Molecular consequence: synonymous variant.
Genome position (GRCh38, 1-based): chr1:40,310,264, C>T on the plus strand (G>A on the coding strand, the complement: COL9A2 is on the minus strand). VCF-style: chr1-40310264-C-T. GRCh37 (hg19) VCF-style: chr1-40775936-C-T.
Identifiers: ClinVar variation 2117166 (VCV002117166.4), dbSNP rs1390859645, ClinGen allele CA417330557.